The following is an entry in ClinVar:

ClinVar aggregate classification (germline): Uncertain significance (1 of 4 stars; one submission).

Submission:

ARUP Laboratories, Molecular Genetics and Genomics, ARUP Laboratories
Classification: Uncertain significance. Last evaluated: 2024-12-11. Review status: criteria provided, single submitter. Criteria: ARUP Molecular Germline Variant Investigation Process 2024. Collection method: clinical testing. Allele origin: germline.
Comment: The FIG4 c.2716T>C; p.Tyr906His variant, to our knowledge, is not reported in the medical literature or gene specific databases. This variant is also absent from the Genome Aggregation Database (v2.1.1), indicating it is not a common polymorphism. Computational analyses are uncertain whether this variant is neutral or deleterious (REVEL: 0.199). Due to limited information, the clinical significance of this variant is uncertain at this time.

NM_014845.6(FIG4):c.2716T>C (p.Tyr906His)

Gene: FIG4 (FIG4 phosphoinositide 5-phosphatase; plus strand). Cytogenetic location: 6q21.
Variant type: single nucleotide variant.
Coding change: c.2716T>C on transcript NM_014845.6 (MANE Select); coding-DNA position 2716, T replaced by C.
Protein change: p.Tyr906His; replaces tyrosine 906 with histidine.
Molecular consequence: missense variant.
Genome position (GRCh38, 1-based): chr6:109,825,257, T>C. VCF-style: chr6-109825257-T-C. GRCh37 (hg19) VCF-style: chr6-110146460-T-C.
Other names: short protein forms Y906H.
Identifiers: ClinVar variation 4685632 (VCV004685632.1).
Genomic context (GRCh38, chr6:109,825,257, plus strand): 5'-ATCATGCAGCCCCTAGGAAAAGAGGACTCCTCCATGTACCGAGAGTACATCAGGAACCGC[T>C]ACCTGTGAAAAGAGCGCAGGTCCACCTGGTGGACACGTCTGATTAGCTTAGAACCTGTCT-3'
Protein context (NP_055660.1, residues 896-907): SMYREYIRNR[Tyr906His]L